The following is an entry in ClinVar:

ClinVar aggregate classification (germline): Benign. Review status: criteria provided, single submitter (1 of 4 stars). 2 submissions from 1 submitter: Benign (2). Last evaluated 2018-01-13.

Conditions:
Muscular dystrophy-dystroglycanopathy (congenital with brain and eye anomalies), type A6. Also called: MUSCULAR DYSTROPHY-DYSTROGLYCANOPATHY (CONGENITAL WITH BRAIN AND EYE ANOMALIES), TYPE A, 6; WALKER-WARBURG SYNDROME OR MUSCLE-EYE-BRAIN DISEASE, LARGE-RELATED. Identifiers: Orphanet 588, Orphanet 899, MedGen C3150414, MONDO:0013158, OMIM 613154.
Muscular dystrophy-dystroglycanopathy type B6 (MDDGB6). Also called: MUSCULAR DYSTROPHY, CONGENITAL, LARGE-RELATED; MUSCULAR DYSTROPHY, CONGENITAL, TYPE 1D; MUSCULAR DYSTROPHY-DYSTROGLYCANOPATHY (CONGENITAL WITH IMPAIRED INTELLECTUAL DEVELOPMENT), TYPE B, 6. Identifiers: MedGen C1837229, MONDO:0012138, OMIM 608840.

Allele frequency attached by ClinVar (database versions not stated): 1000 Genomes Project 30x 0.00999; gnomAD 0.01036 and 0.01106; 1000 Genomes Project 0.01038; TOPMed 0.01217.

Submissions (2):

Illumina Laboratory Services, Illumina
Classification: Benign for Muscular dystrophy-dystroglycanopathy type B6. Last evaluated: 2018-01-13. Review status: criteria provided, single submitter. Criteria: ICSL Variant Classification Criteria 13 December 2019. Collection method: clinical testing. Allele origin: germline.
Comment: This variant was observed in the ICSL laboratory as part of a predisposition screen in an ostensibly healthy population. It had not been previously curated by ICSL or reported in the Human Gene Mutation Database (HGMD: prior to June 1st, 2018), and was therefore a candidate for classification through an automated scoring system. Utilizing variant allele frequency, disease prevalence and penetrance estimates, and inheritance mode, an automated score was calculated to assess if this variant is too frequent to cause the disease. Based on the score and internal cut-off values, a variant classified as benign is not then subjected to further curation. The score for this variant resulted in a classification of benign for this disease.

Illumina Laboratory Services, Illumina
Classification: Benign for Muscular dystrophy-dystroglycanopathy (congenital with brain and eye anomalies), type A6. Last evaluated: 2018-01-13. Review status: criteria provided, single submitter. Criteria: ICSL Variant Classification Criteria 13 December 2019. Collection method: clinical testing. Allele origin: germline.
Comment: the same text as in the submission from Illumina Laboratory Services, Illumina above.

NM_133642.5(LARGE1):c.-149G>C

Genes: LARGE1 (LARGE xylosyl- and glucuronyltransferase 1; minus strand), LOC130067280 (ATAC-STARR-seq lymphoblastoid silent region 13648; plus strand). Cytogenetic location: 22q12.3.
Variant type: single nucleotide variant.
Coding change: c.-149G>C on transcript NM_133642.5 (MANE Select); 149 bases upstream of the start codon, G replaced by C.
Molecular consequence: 5 prime UTR variant. On other transcripts: intron variant (5).
Genome position (GRCh38, 1-based): chr22:33,920,061, C>G on the plus strand (G>C on the coding strand, the complement: LARGE1 is on the minus strand). VCF-style: chr22-33920061-C-G. GRCh37 (hg19) VCF-style: chr22-34316049-C-G.
Other names: c.-149G>C (NM_001378628.1, NM_001378629.1); c.-212G>C (NM_004737.7); c.-83+2560G>C (NM_001362953.2); c.-146+2560G>C (NM_001362949.2); c.-83+2416G>C (NM_001378627.1, NM_001362951.2); c.-146+2416G>C (NM_001378624.1).
Identifiers: ClinVar variation 341443 (VCV000341443.5), dbSNP rs143403352, ClinGen allele CA10653444.